The following is an entry in ClinVar:

NM_001256007.3(PNPLA8):c.587T>C (p.Ile196Thr)

Gene: PNPLA8 (patatin like domain 8, phospholipase A2; minus strand). Cytogenetic location: 7q31.1.
Variant type: single nucleotide variant.
Coding change: c.587T>C on transcript NM_001256007.3 (MANE Select); coding-DNA position 587, T replaced by C.
Protein change: p.Ile196Thr; replaces isoleucine 196 with threonine.
Molecular consequence: missense variant.
Genome position (GRCh38, 1-based): chr7:108,514,905, A>G on the plus strand (T>C on the coding strand, the complement: PNPLA8 is on the minus strand). VCF-style: chr7-108514905-A-G. GRCh37 (hg19) VCF-style: chr7-108155349-A-G.
Other names: c.287T>C, p.Ile96Thr (NM_001256010.3, NM_001256011.3); c.587T>C, p.Ile196Thr (NM_015723.5, NM_001256008.3, NM_001256009.3); c.587T>C (NM_015723.2); short protein forms I196T, I96T.
Identifiers: ClinVar variation 981117 (VCV000981117.3), dbSNP rs147092803, ClinGen allele CA4439791.
Genomic context (GRCh38, chr7:108,514,905, plus strand): 5'-TTGAAATATGAATTAATATGATTTGATAAAAAGTAGAATGAGTCTCCAAATTTTGTGGTT[A>G]TAGAACTTGTGTAATGAAAAAGACTGCGTTTACCTATATCTTCTTCTTTGTCTATAATGT-3'
Protein context (NP_001242936.1, residues 186-206): KRSLFHYTSS[Ile196Thr]TTKFGDSFYF

ClinVar aggregate classification (germline): Uncertain significance. Review status: criteria provided, multiple submitters, no conflicts (2 of 4 stars). 3 submissions from 3 submitters: Uncertain significance (3). Last evaluated 2022-08-30.

Conditions:
Inborn genetic diseases. Identifiers: MedGen C0950123, MeSH D030342.

Allele frequency attached by ClinVar (database versions not stated): gnomAD exomes 0.00002 and 0.00004; ExAC 0.00007; gnomAD 0.00013 and 0.00015; TOPMed 0.00013; ESP Exome Variant Server 0.00023.
gnomAD v4.1: 45 of 1,609,434 alleles (0.0028%); highest among the groups gnomAD compares: African/African-American, 0.051%; 1 homozygote.

Submissions (3):

Ambry Genetics
Classification: Uncertain significance for Inborn genetic diseases. Last evaluated: 2022-08-30. Review status: criteria provided, single submitter. Criteria: Ambry Variant Classification Scheme 2023. Collection method: clinical testing. Allele origin: germline.
Comment: The c.587T>C (p.I196T) alteration is located in exon 4 (coding exon 1) of the PNPLA8 gene. This alteration results from a T to C substitution at nucleotide position 587, causing the isoleucine (I) at amino acid position 196 to be replaced by a threonine (T). The in silico prediction for the p.I196T alteration is inconclusive. Based on insufficient or conflicting evidence, the clinical significance of this alteration remains unclear.

Labcorp Genetics (formerly Invitae), Labcorp
Classification: Uncertain significance. Last evaluated: 2022-05-02. Review status: criteria provided, single submitter. Criteria: Invitae Variant Classification Sherloc (09022015). Collection method: clinical testing. Allele origin: germline.
Comment: This sequence change replaces isoleucine, which is neutral and non-polar, with threonine, which is neutral and polar, at codon 196 of the PNPLA8 protein (p.Ile196Thr). This variant is present in population databases (rs147092803, gnomAD 0.04%). This variant has not been reported in the literature in individuals affected with PNPLA8-related conditions. ClinVar contains an entry for this variant (Variation ID: 981117). Algorithms developed to predict the effect of missense changes on protein structure and function (SIFT, PolyPhen-2, Align-GVGD) all suggest that this variant is likely to be tolerated. In summary, the available evidence is currently insufficient to determine the role of this variant in disease. Therefore, it has been classified as a Variant of Uncertain Significance.

Women's Health and Genetics/Laboratory Corporation of America, LabCorp
Classification: Uncertain significance. Last evaluated: 2020-09-21. Review status: criteria provided, single submitter. Criteria: LabCorp Variant Classification Summary - May 2015. Collection method: clinical testing. Allele origin: germline.
Comment: Variant summary: PNPLA8 c.587T>C (p.Ile196Thr) results in a non-conservative amino acid change in the encoded protein sequence. Four of five in-silico tools predict a damaging effect of the variant on protein function. The variant allele was found at a frequency of 3.6e-05 in 248424 control chromosomes. The available data on variant occurrences in the general population are insufficient to allow any conclusion about variant significance. To our knowledge, no occurrence of c.587T>C in individuals affected with Mitochondrial Myopathy-Lactic Acidosis-Deafness Syndrome and no experimental evidence demonstrating its impact on protein function have been reported. No clinical diagnostic laboratories have submitted clinical-significance assessments for this variant to ClinVar after 2014. Based on the evidence outlined above, the variant was classified as uncertain significance.